The following is an entry in ClinVar:

NM_020297.4(ABCC9):c.653C>A (p.Pro218Gln)

Gene: ABCC9 (ATP binding cassette subfamily C member 9; minus strand). Cytogenetic location: 12p12.1.
Variant type: single nucleotide variant.
Coding change: c.653C>A on transcript NM_020297.4 (MANE Select); coding-DNA position 653, C replaced by A.
Protein change: p.Pro218Gln; replaces proline 218 with glutamine.
Molecular consequence: missense variant. On other transcripts: intron variant (1).
Genome position (GRCh38, 1-based): chr12:21,915,831, G>T on the plus strand (C>A on the coding strand, the complement: ABCC9 is on the minus strand). VCF-style: chr12-21915831-G-T. GRCh37 (hg19) VCF-style: chr12-22068765-G-T.
Other names: c.653C>A, p.Pro218Gln (NM_001377273.1, NM_005691.4); c.-48-2765C>A (NM_001377274.1); short protein forms P218Q.
Identifiers: ClinVar variation 2987978 (VCV002987978.3), dbSNP rs1276025377, ClinGen allele CA384124508.

ClinVar aggregate classification (germline): Uncertain significance (1 of 4 stars; one submission).

Conditions:
Dilated cardiomyopathy 1O (CMD1O). Also called: CARDIOMYOPATHY, DILATED, WITH VENTRICULAR TACHYCARDIA. Identifiers: Orphanet 154, MedGen C1837839, MONDO:0012062, OMIM 608569.

Allele frequency attached by ClinVar (database versions not stated): gnomAD exomes below 0.00001.
gnomAD v4.1: 3 of 1,613,476 alleles (0.00019%); highest among the groups gnomAD compares: African/African-American, 0.0013%; no homozygotes.

Submission:

Labcorp Genetics (formerly Invitae), Labcorp
Classification: Uncertain significance for Dilated cardiomyopathy 1O. Last evaluated: 2023-07-03. Review status: criteria provided, single submitter. Criteria: Invitae Variant Classification Sherloc (09022015). Collection method: clinical testing. Allele origin: germline.
Comment: In summary, the available evidence is currently insufficient to determine the role of this variant in disease. Therefore, it has been classified as a Variant of Uncertain Significance. Advanced modeling of protein sequence and biophysical properties (such as structural, functional, and spatial information, amino acid conservation, physicochemical variation, residue mobility, and thermodynamic stability) performed at Invitae indicates that this missense variant is expected to disrupt ABCC9 protein function. This variant has not been reported in the literature in individuals affected with ABCC9-related conditions. The frequency data for this variant in the population databases is considered unreliable, as metrics indicate poor data quality at this position in the gnomAD database. This sequence change replaces proline, which is neutral and non-polar, with glutamine, which is neutral and polar, at codon 218 of the ABCC9 protein (p.Pro218Gln).